The following is an entry in ClinVar:

ClinVar aggregate classification (germline): Benign/Likely benign. Review status: criteria provided, multiple submitters, no conflicts (2 of 4 stars). 3 submissions from 3 submitters: Benign (1); Likely benign (2). Last evaluated 2026-06-17.

Conditions:
Polyps, multiple and recurrent inflammatory fibroid, gastrointestinal. Identifiers: MedGen C5193005, MONDO:0008285, OMIM 175510.
Gastrointestinal stromal tumor. Also called: Gastrointestinal stroma tumor; Gastrointestinal stromal tumor, somatic. Identifiers: Orphanet 44890, MedGen C0238198, MeSH D046152, MONDO:0011719, OMIM 606764, HP:0100723.
Hereditary cancer-predisposing syndrome. Also called: Tumor predisposition; Hereditary neoplastic syndrome; Neoplastic Syndromes, Hereditary; Hereditary Cancer Syndrome. Identifiers: Orphanet 140162, MedGen C0027672, MeSH D009386, MONDO:0015356.

Allele frequency attached by ClinVar (database versions not stated): gnomAD exomes below 0.00001 and 0.00001; ExAC 0.00002; gnomAD 0.00004 and 0.00005; TOPMed 0.00005; ESP Exome Variant Server 0.00008; 1000 Genomes Project 30x 0.00016; 1000 Genomes Project 0.00020.
gnomAD v4.1: 9 of 1,614,162 alleles (0.00056%); highest among the groups gnomAD compares: African/African-American, 0.012%; no homozygotes.

Submissions (3):

Myriad Genetics, Inc.
Classification: Benign for Polyps, multiple and recurrent inflammatory fibroid, gastrointestinal. Last evaluated: 2026-06-17. Review status: criteria provided, single submitter. Criteria: Myriad Autosomal Dominant, Autosomal Recessive and X-Linked Classification Criteria (2023). Collection method: clinical testing. Allele origin: unknown.
Comment: This variant is considered benign. This variant is a silent/synonymous amino acid change and it is not expected to impact splicing.

Labcorp Genetics (formerly Invitae), Labcorp
Classification: Likely benign for Gastrointestinal stromal tumor. Last evaluated: 2025-11-22. Review status: criteria provided, single submitter. Criteria: Invitae Variant Classification Sherloc (09022015). Collection method: clinical testing. Allele origin: germline.

Ambry Genetics
Classification: Likely benign for Hereditary cancer-predisposing syndrome. Last evaluated: 2022-03-03. Review status: criteria provided, single submitter. Criteria: Ambry Variant Classification Scheme 2023. Collection method: clinical testing. Allele origin: germline.

NM_006206.6(PDGFRA):c.1833A>C (p.Thr611=)

Gene: PDGFRA (platelet derived growth factor receptor alpha; plus strand). Cytogenetic location: 4q12.
Variant type: single nucleotide variant.
Coding change: c.1833A>C on transcript NM_006206.6 (MANE Select); coding-DNA position 1833, A replaced by C.
Protein change: p.Thr611=; no amino-acid change (threonine 611 retained).
Molecular consequence: synonymous variant.
Genome position (GRCh38, 1-based): chr4:54,277,434, A>C. VCF-style: chr4-54277434-A-C. GRCh37 (hg19) VCF-style: chr4-55143601-A-C.
Other names: c.1833A>C, p.Thr611= (NM_001347827.2, NM_001347829.2); c.1908A>C, p.Thr636= (NM_001347828.2); c.1872A>C, p.Thr624= (NM_001347830.2).
Identifiers: ClinVar variation 459026 (VCV000459026.15), dbSNP rs372365813, ClinGen allele CA2922688.